The following is an entry in ClinVar:

ClinVar aggregate classification (germline): Uncertain significance. Review status: criteria provided, multiple submitters, no conflicts (2 of 4 stars). 4 submissions from 4 submitters: Uncertain significance (4). Last evaluated 2024-07-08.

Conditions:
Inborn genetic diseases. Identifiers: MedGen C0950123, MeSH D030342.
Wrinkly skin syndrome (WSS). Also called: Type of Gerodermia osteodysplastica. Identifiers: Orphanet 2834, MedGen C0406587, MONDO:0010208, OMIM 278250.
Cutis laxa with osteodystrophy (ARCL2A). Also called: CUTIS LAXA WITH CONGENITAL DISORDER OF GLYCOSYLATION; CUTIS LAXA WITH BONE DYSTROPHY; CUTIS LAXA WITH GROWTH AND DEVELOPMENTAL DELAY; CUTIS LAXA WITH JOINT LAXITY AND RETARDED DEVELOPMENT; Debré-Type Cutis Laxa; CUTIS LAXA, AUTOSOMAL RECESSIVE, TYPE IIA. Identifiers: Orphanet 357058, MedGen C0268355, MONDO:0018163, OMIM 219200. Disease mechanism: loss of function.
ALG9 congenital disorder of glycosylation (CDG1L). Also called: CDG Il; CONGENITAL DISORDER OF GLYCOSYLATION, TYPE Il; ALG9-CDG. Identifiers: Orphanet 79328, MedGen C2931006, MONDO:0012117, OMIM 608776.

Allele frequency attached by ClinVar (database versions not stated): ESP Exome Variant Server 0.00023.

Submissions (4):

Ambry Genetics
Classification: Uncertain significance for Inborn genetic diseases. Last evaluated: 2024-07-08. Review status: criteria provided, single submitter. Criteria: Ambry Variant Classification Scheme 2023. Collection method: clinical testing. Allele origin: germline.

GeneDx
Classification: Uncertain significance. Last evaluated: 2024-05-15. Review status: criteria provided, single submitter. Criteria: GeneDx Variant Classification Process June 2021. Collection method: clinical testing. Allele origin: germline. Affected: yes.
Comment: Not observed at significant frequency in large population cohorts (gnomAD); In silico analysis indicates that this missense variant does not alter protein structure/function; Has not been previously published as pathogenic or benign to our knowledge

Labcorp Genetics (formerly Invitae), Labcorp
Classification: Uncertain significance for ALG9 congenital disorder of glycosylation. Last evaluated: 2022-09-23. Review status: criteria provided, single submitter. Criteria: Invitae Variant Classification Sherloc (09022015). Collection method: clinical testing. Allele origin: germline.
Comment: This sequence change replaces arginine, which is basic and polar, with histidine, which is basic and polar, at codon 141 of the ATP6V0A2 protein (p.Arg141His). This variant is present in population databases (rs143509747, gnomAD 0.02%). This variant has not been reported in the literature in individuals affected with ATP6V0A2-related conditions. ClinVar contains an entry for this variant (Variation ID: 1303408). Advanced modeling of protein sequence and biophysical properties (such as structural, functional, and spatial information, amino acid conservation, physicochemical variation, residue mobility, and thermodynamic stability) performed at Invitae indicates that this missense variant is not expected to disrupt ATP6V0A2 protein function. In summary, the available evidence is currently insufficient to determine the role of this variant in disease. Therefore, it has been classified as a Variant of Uncertain Significance.

Fulgent Genetics
Classification: Uncertain significance for Cutis laxa with osteodystrophy; Wrinkly skin syndrome. Last evaluated: 2021-12-27. Review status: criteria provided, single submitter. Criteria: ACMG Guidelines, 2015. Collection method: clinical testing. Allele origin: unknown.

NM_012463.4(ATP6V0A2):c.422G>A (p.Arg141His)

Gene: ATP6V0A2 (ATPase H+ transporting V0 subunit a2; plus strand). Cytogenetic location: 12q24.31.
Variant type: single nucleotide variant.
Coding change: c.422G>A on transcript NM_012463.4 (MANE Select); coding-DNA position 422, G replaced by A.
Protein change: p.Arg141His; replaces arginine 141 with histidine.
Molecular consequence: missense variant.
Genome position (GRCh38, 1-based): chr12:123,724,781, G>A. VCF-style: chr12-123724781-G-A. GRCh37 (hg19) VCF-style: chr12-124209328-G-A.
Other names: short protein forms R141H.
Identifiers: ClinVar variation 1303408 (VCV001303408.7), dbSNP rs143509747, ClinGen allele CA6861599.